The following is an entry in ClinVar:

ClinVar aggregate classification (germline): Uncertain significance (1 of 4 stars; one submission).

Submission:

Ambry Genetics
Classification: Uncertain significance. Last evaluated: 2021-11-22. Review status: criteria provided, single submitter. Criteria: Ambry Variant Classification Scheme 2023. Collection method: clinical testing. Allele origin: germline.
Comment: The p.D1439H variant (also known as c.4315G>C), located in coding exon 16 of the POLQ gene, results from a G to C substitution at nucleotide position 4315. The aspartic acid at codon 1439 is replaced by histidine, an amino acid with similar properties. This amino acid position is conserved. In addition, the in silico prediction for this alteration is inconclusive. Since supporting evidence is limited at this time, the clinical significance of this alteration remains unclear.

NM_199420.4(POLQ):c.4315G>C (p.Asp1439His)

Gene: POLQ (DNA polymerase theta; minus strand). Cytogenetic location: 3q13.33.
Variant type: single nucleotide variant.
Coding change: c.4315G>C on transcript NM_199420.4 (MANE Select); coding-DNA position 4315, G replaced by C.
Protein change: p.Asp1439His; replaces aspartic acid 1439 with histidine.
Molecular consequence: missense variant.
Genome position (GRCh38, 1-based): chr3:121,488,616, C>G on the plus strand (G>C on the coding strand, the complement: POLQ is on the minus strand). VCF-style: chr3-121488616-C-G. GRCh37 (hg19) VCF-style: chr3-121207463-C-G.
Other names: short protein forms D1439H.
Identifiers: ClinVar variation 1739659 (VCV001739659.2), dbSNP rs2108798028, ClinGen allele CA354095419.
Genomic context (GRCh38, chr3:121,488,616, plus strand): 5'-TAACTGGTTTCACAGTTTCTTGTGTTTGATAACCTTGAAGAAAACTATTTAATTGTGAAT[C>G]AGTAACAGAAACTTCATTCTTTTTTAAAAAAAGACCATTTTCCTCCAATAGTATTGGAGA-3'
Protein context (NP_955452.3, residues 1429-1449): FLKKNEVSVT[Asp1439His]SQLNSFLQGY